The following is an entry in ClinVar:

ClinVar aggregate classification (germline): Conflicting classifications of pathogenicity. Review status: criteria provided, conflicting classifications (1 of 4 stars). 5 submissions from 5 submitters: Uncertain significance (4); Likely benign (1). Last evaluated 2024-09-24.

Conditions:
Inborn genetic diseases. Identifiers: MedGen C0950123, MeSH D030342.
FLNB-Related Spectrum Disorders.

Allele frequency attached by ClinVar (database versions not stated): TOPMed 0.00010; gnomAD exomes 0.00016 and 0.00023; ExAC 0.00021; ESP Exome Variant Server 0.00008; gnomAD 0.00011.
gnomAD v4.1: 249 of 1,614,238 alleles (0.015%); highest among the groups gnomAD compares: South Asian, 0.019%; no homozygotes.

Submissions (5):

Labcorp Genetics (formerly Invitae), Labcorp
Classification: Likely benign. Last evaluated: 2024-09-24. Review status: criteria provided, single submitter. Criteria: Invitae Variant Classification Sherloc (09022015). Collection method: clinical testing. Allele origin: germline.

Blueprint Genetics
Classification: Uncertain significance. Last evaluated: 2024-08-27. Review status: criteria provided, single submitter. Criteria: ACMG Guidelines, 2015. Collection method: clinical testing. Allele origin: germline.

GeneDx
Classification: Uncertain significance. Last evaluated: 2023-07-25. Review status: criteria provided, single submitter. Criteria: GeneDx Variant Classification Process June 2021. Collection method: clinical testing. Allele origin: germline. Affected: yes.
Comment: In silico analysis supports that this missense variant has a deleterious effect on protein structure/function; Has not been previously published as pathogenic or benign to our knowledge

Ambry Genetics
Classification: Uncertain significance for Inborn genetic diseases. Last evaluated: 2021-06-18. Review status: criteria provided, single submitter. Criteria: Ambry Variant Classification Scheme 2023. Collection method: clinical testing. Allele origin: germline.

Illumina Laboratory Services, Illumina
Classification: Uncertain significance for FLNB-Related Spectrum Disorders. Last evaluated: 2018-01-12. Review status: criteria provided, single submitter. Criteria: ICSL Variant Classification Criteria 13 December 2019. Collection method: clinical testing. Allele origin: germline.

NM_001457.4(FLNB):c.2104G>A (p.Gly702Ser)

Gene: FLNB (filamin B; plus strand). Cytogenetic location: 3p14.3.
Variant type: single nucleotide variant.
Coding change: c.2104G>A on transcript NM_001457.4 (MANE Select); coding-DNA position 2104, G replaced by A.
Protein change: p.Gly702Ser; replaces glycine 702 with serine.
Molecular consequence: missense variant.
Genome position (GRCh38, 1-based): chr3:58,109,227, G>A. VCF-style: chr3-58109227-G-A. GRCh37 (hg19) VCF-style: chr3-58094954-G-A.
Other names: c.2104G>A, p.Gly702Ser (NM_001164317.2, NM_001164318.2, NM_001164319.2); short protein forms G702S.
Identifiers: ClinVar variation 903075 (VCV000903075.13), dbSNP rs374090457, ClinGen allele CA2468026.
Genomic context (GRCh38, chr3:58,109,227, plus strand): 5'-GCTTTTTTGCAGGATGGGGAAGGCCAACGCATTGACATCCAGATGAAGAACCGGATGGAC[G>A]GCACATATGCATGCTCATACACCCCGGTGAAGGCCATCAAGCACACCATTGCTGTGGTCT-3'
Protein context (NP_001448.2, residues 692-712): IDIQMKNRMD[Gly702Ser]TYACSYTPVK